The following is an entry in ClinVar:

ClinVar aggregate classification (germline): Uncertain significance (1 of 4 stars; one submission).

Allele frequency attached by ClinVar (database versions not stated): ExAC 0.00001; gnomAD 0.00001; TOPMed 0.00001.

Submission:

Labcorp Genetics (formerly Invitae), Labcorp
Classification: Uncertain significance. Last evaluated: 2022-06-27. Review status: criteria provided, single submitter. Criteria: Invitae Variant Classification Sherloc (09022015). Collection method: clinical testing. Allele origin: germline.
Comment: In summary, the available evidence is currently insufficient to determine the role of this variant in disease. Therefore, it has been classified as a Variant of Uncertain Significance. Algorithms developed to predict the effect of missense changes on protein structure and function (SIFT, PolyPhen-2, Align-GVGD) all suggest that this variant is likely to be disruptive. This variant has not been reported in the literature in individuals affected with MARS2-related conditions. This variant is present in population databases (rs776237269, gnomAD 0.007%). This sequence change replaces arginine, which is basic and polar, with cysteine, which is neutral and slightly polar, at codon 371 of the MARS2 protein (p.Arg371Cys).

NM_138395.4(MARS2):c.1111C>T (p.Arg371Cys)

Gene: MARS2 (methionyl-tRNA synthetase 2, mitochondrial; plus strand). Cytogenetic location: 2q33.1.
Variant type: single nucleotide variant.
Coding change: c.1111C>T on transcript NM_138395.4 (MANE Select); coding-DNA position 1111, C replaced by T.
Protein change: p.Arg371Cys; replaces arginine 371 with cysteine.
Molecular consequence: missense variant.
Genome position (GRCh38, 1-based): chr2:197,706,516, C>T. VCF-style: chr2-197706516-C-T. GRCh37 (hg19) VCF-style: chr2-198571240-C-T.
Other names: short protein forms R371C.
Identifiers: ClinVar variation 1962457 (VCV001962457.5), dbSNP rs776237269, ClinGen allele CA2044693.